The following is an entry in ClinVar:

NM_001145210.3(ANKRD65):c.138C>G (p.Leu46=)

Genes: ANKRD65 (ankyrin repeat domain 65; minus strand), ANKRD65-AS1 (ANKRD65 antisense RNA 1; plus strand). Cytogenetic location: 1p36.33.
Variant type: single nucleotide variant.
Coding change: c.138C>G on transcript NM_001145210.3 (MANE Select); coding-DNA position 138, C replaced by G.
Protein change: p.Leu46=; no amino-acid change (leucine 46 retained).
Molecular consequence: synonymous variant.
Genome position (GRCh38, 1-based): chr1:1,420,868, G>C on the plus strand (C>G on the coding strand, the complement: ANKRD65 is on the minus strand). VCF-style: chr1-1420868-G-C. GRCh37 (hg19) VCF-style: chr1-1356248-G-C.
Other names: c.138C>G, p.Leu46= (NM_001243535.2, NM_001243536.2, NM_001375659.1 and 1 more transcripts).
Identifiers: ClinVar variation 4084613 (VCV004084613.8).

ClinVar aggregate classification (germline): Likely benign (1 of 4 stars; one submission).

Submission:

CeGaT Center for Human Genetics Tuebingen
Classification: Likely benign. Last evaluated: 2025-06-01. Review status: criteria provided, single submitter. Criteria: CeGaT Center For Human Genetics Tuebingen Variant Classification Criteria Version 2. Collection method: clinical testing. Allele origin: germline. Affected: yes. Observed: 1 variant allele.
Comment: ANKRD65: BP4, BP7